The following is an entry in ClinVar:

NM_152703.5(SAMD9L):c.4295T>A (p.Leu1432His)

Gene: SAMD9L (sterile alpha motif domain containing 9 like; minus strand). Cytogenetic location: 7q21.2.
Variant type: single nucleotide variant.
Coding change: c.4295T>A on transcript NM_152703.5 (MANE Select); coding-DNA position 4295, T replaced by A.
Protein change: p.Leu1432His; replaces leucine 1432 with histidine.
Molecular consequence: missense variant.
Genome position (GRCh38, 1-based): chr7:93,131,677, A>T on the plus strand (T>A on the coding strand, the complement: SAMD9L is on the minus strand). VCF-style: chr7-93131677-A-T. GRCh37 (hg19) VCF-style: chr7-92760990-A-T.
Other names: c.4295T>A, p.Leu1432His (NM_001303496.3, NM_001303497.3, NM_001303498.3 and 5 more transcripts); short protein forms L1432H.
Identifiers: ClinVar variation 5029000 (VCV005029000.1).

ClinVar aggregate classification (germline): Uncertain significance (1 of 4 stars; one submission).

Conditions:
Inborn genetic diseases. Identifiers: MedGen C0950123, MeSH D030342.

Submission:

Ambry Genetics
Classification: Uncertain significance for Inborn genetic diseases. Last evaluated: 2026-09-14. Review status: criteria provided, single submitter. Criteria: Ambry Variant Classification Scheme 2023. Collection method: clinical testing. Allele origin: germline.
Comment: The p.L1432H variant (also known as c.4295T>A), located in coding exon 1 of the SAMD9L gene, results from a T to A substitution at nucleotide position 4295. The leucine at codon 1432 is replaced by histidine, an amino acid with similar properties. This amino acid position is conserved. In addition, this alteration is predicted to be deleterious by in silico analysis. Based on the available evidence, the clinical significance of this variant remains unclear.